The following is an entry in ClinVar:

NM_014332.3(SMPX):c.77G>A (p.Arg26Gln)

Gene: SMPX (small muscle protein X-linked; minus strand). Cytogenetic location: Xp22.12.
Variant type: single nucleotide variant.
Coding change: c.77G>A on transcript NM_014332.3 (MANE Select); coding-DNA position 77, G replaced by A.
Protein change: p.Arg26Gln; replaces arginine 26 with glutamine.
Molecular consequence: missense variant. On other transcripts: non-coding transcript variant (1).
Genome position (GRCh38, 1-based): chrX:21,743,805, C>T on the plus strand (G>A on the coding strand, the complement: SMPX is on the minus strand). VCF-style: chrX-21743805-C-T. GRCh37 (hg19) VCF-style: chrX-21761923-C-T.
Other names: c.77G>A (NM_014332.2); short protein forms R26Q.
Identifiers: ClinVar variation 2955963 (VCV002955963.4), dbSNP rs376846054, ClinGen allele CA10367235.
Genomic context (GRCh38, chrX:21,743,805, plus strand): 5'-CTCACCTCCTCCACTTCAGGAGTACATTCTTTTCTTCTGGGGGGTTGACCTGCTCCTGGC[C>T]GAAAGGCTCCCATTGGAATATTGATATTTGCCTAAAAGAGAAAACAGGGTAGGTTTAGCT-3'
Protein context (NP_055147.1, residues 16-36): ANINIPMGAF[Arg26Gln]PGAGQPPRRK

ClinVar aggregate classification (germline): Uncertain significance. Review status: criteria provided, multiple submitters, no conflicts (2 of 4 stars). 2 submissions from 2 submitters: Uncertain significance (2). Last evaluated 2025-10-08.

Allele frequency attached by ClinVar (database versions not stated): gnomAD exomes below 0.00001; ESP Exome Variant Server 0.00009; gnomAD 0.00001; TOPMed 0.00001.
gnomAD v4.1: 3 of 1,205,846 alleles (0.00025%); highest among the groups gnomAD compares: Non-Finnish European, 0.00034%; no homozygotes.

Submissions (2):

Labcorp Genetics (formerly Invitae), Labcorp
Classification: Uncertain significance. Last evaluated: 2025-10-08. Review status: criteria provided, single submitter. Criteria: Invitae Variant Classification Sherloc (09022015). Collection method: clinical testing. Allele origin: germline.
Comment: This sequence change replaces arginine, which is basic and polar, with glutamine, which is neutral and polar, at codon 26 of the SMPX protein (p.Arg26Gln). This variant is not present in population databases (gnomAD no frequency). This variant has not been reported in the literature in individuals affected with SMPX-related conditions. ClinVar contains an entry for this variant (Variation ID: 2955963). An algorithm developed to predict the effect of missense changes on protein structure and function (PolyPhen-2) suggests that this variant is likely to be disruptive. In summary, the available evidence is currently insufficient to determine the role of this variant in disease. Therefore, it has been classified as a Variant of Uncertain Significance.

GeneDx
Classification: Uncertain significance. Last evaluated: 2024-06-17. Review status: criteria provided, single submitter. Criteria: GeneDx Variant Classification Process June 2021. Collection method: clinical testing. Allele origin: germline. Affected: yes.
Comment: Not observed at significant frequency in large population cohorts (gnomAD); In silico analysis supports that this missense variant has a deleterious effect on protein structure/function; Has not been previously published as pathogenic or benign to our knowledge; This variant is associated with the following publications: (PMID: Arifuzzaman2018[preprint])